The following is an entry in ClinVar:

ClinVar aggregate classification (germline): Pathogenic (1 of 4 stars; one submission).

Conditions:
Mucolipidosis type II. Also called: Mucolipidosis II Alpha/Beta; ML II ALPHA/BETA; Mucolipidosis 2; ML 2; Inclusion cell disease; Leroy Disease. Identifiers: Orphanet 576, MedGen C2673377, MONDO:0009650, OMIM 252500.
Pseudo-Hurler polydystrophy. Also called: MUCOLIPIDOSIS IIIA; ML III; ML III ALPHA/BETA; Type III Mucolipidosis; ML IIIA; Mucolipidosis III Alpha/Beta. Identifiers: Orphanet 423461, Orphanet 577, MedGen C0033788, MONDO:0018931, OMIM 252600.

Submission:

Labcorp Genetics (formerly Invitae), Labcorp
Classification: Pathogenic for Pseudo-Hurler polydystrophy; Mucolipidosis type II. Last evaluated: 2022-03-31. Review status: criteria provided, single submitter. Criteria: Invitae Variant Classification Sherloc (09022015). Collection method: clinical testing. Allele origin: germline.
Comment: For these reasons, this variant has been classified as Pathogenic. Algorithms developed to predict the effect of sequence changes on RNA splicing suggest that this variant may create or strengthen a splice site. ClinVar contains an entry for this variant (Variation ID: 840035). This variant has not been reported in the literature in individuals affected with GNPTAB-related conditions. This variant is not present in population databases (gnomAD no frequency). This sequence change creates a premature translational stop signal (p.Val653Serfs*2) in the GNPTAB gene. It is expected to result in an absent or disrupted protein product. Loss-of-function variants in GNPTAB are known to be pathogenic (PMID: 19617216, 25107912).

Literature cited by the submitters: PubMed 19617216; PubMed 25107912.

NM_024312.5(GNPTAB):c.1956dup (p.Val653fs)

Gene: GNPTAB (N-acetylglucosamine-1-phosphate transferase subunits alpha and beta; minus strand). Cytogenetic location: 12q23.2.
Variant type: Duplication.
Coding change: c.1956dup on transcript NM_024312.5 (MANE Select); coding-DNA position 1956, one base duplicated (A; older notation c.1956dupA).
Protein change: p.Val653fs; shifts the reading frame from valine 653.
Molecular consequence: frameshift variant.
Genome position (GRCh38, 1-based): chr12:101,764,961, T duplicated on the plus strand (A on the coding strand, the reverse complement: GNPTAB is on the minus strand). VCF-style (leftmost placement, unchanged base first): chr12-101764960-C-CT. GRCh37 (hg19) VCF-style: chr12-102158738-C-CT.
Other names: short protein forms V653fs.
Identifiers: ClinVar variation 840035 (VCV000840035.7), dbSNP rs1953064795, ClinGen allele CA916083333.
Genomic context (GRCh38, chr12:101,764,960, plus strand): 5'-TTTCTTTGGGAATATCCTCAAAAAGGATTTCCGCCTCTGGAAGAAGTGTTATGGGACTAA[C>CT]TAAATTTTCGTAACCCTTCTGGGCTGTAGAATTCAGTTTTGGTCCCTCCCTTGTGTCCAC-3'